The following is an entry in ClinVar:

NM_005276.4(GPD1):c.895G>A (p.Gly299Arg)

Gene: GPD1 (glycerol-3-phosphate dehydrogenase 1; plus strand). Cytogenetic location: 12q13.12.
Variant type: single nucleotide variant.
Coding change: c.895G>A on transcript NM_005276.4 (MANE Select); coding-DNA position 895, G replaced by A.
Protein change: p.Gly299Arg; replaces glycine 299 with arginine.
Molecular consequence: missense variant.
Genome position (GRCh38, 1-based): chr12:50,108,072, G>A. VCF-style: chr12-50108072-G-A. GRCh37 (hg19) VCF-style: chr12-50501855-G-A.
Other names: c.826G>A, p.Gly276Arg (NM_001257199.2); short protein forms G276R, G299R.
Identifiers: ClinVar variation 806885 (VCV000806885.47), dbSNP rs889092603, ClinGen allele CA236740372.
Genomic context (GRCh38, chr12:50,108,072, plus strand): 5'-TTTTCTGCACAGTCCATTGAGCAGCTGGAGAAAGAGTTGCTGAATGGGCAGAAACTGCAG[G>A]GGCCCGAGACAGCCCGGGAGCTATACAGCATCCTCCAGCACAAGGGCCTGGTAGACAAGT-3'
Protein context (NP_005267.2, residues 289-309): KELLNGQKLQ[Gly299Arg]PETARELYSI

ClinVar aggregate classification (germline): Conflicting classifications of pathogenicity. Review status: criteria provided, conflicting classifications (1 of 4 stars). 4 submissions from 4 submitters: Pathogenic (2); Uncertain significance (1). 1 of the submissions does not count toward it. Last evaluated 2025-06-12.

Conditions:
Transient infantile hypertriglyceridemia and hepatosteatosis. Identifiers: Orphanet 300293, MedGen C3280953, MONDO:0013771, OMIM 614480.

Allele frequency attached by ClinVar (database versions not stated): TOPMed below 0.00001; gnomAD exomes 0.00001.
gnomAD v4.1: 7 of 1,613,566 alleles (0.00043%); highest among the groups gnomAD compares: Non-Finnish European, 0.00051%; no homozygotes.

Submissions (4):

Labcorp Genetics (formerly Invitae), Labcorp
Classification: Pathogenic. Last evaluated: 2025-06-12. Review status: criteria provided, single submitter. Criteria: Invitae Variant Classification Sherloc (09022015). Collection method: clinical testing. Allele origin: germline.
Comment: This sequence change replaces glycine, which is neutral and non-polar, with arginine, which is basic and polar, at codon 299 of the GPD1 protein (p.Gly299Arg). This variant is present in population databases (no rsID available, gnomAD 0.0009%). This missense change has been observed in individuals with transient infantile hypertriglyceridemia (PMID: 32591995, 32685347). It has also been observed to segregate with disease in related individuals. ClinVar contains an entry for this variant (Variation ID: 806885). Invitae Evidence Modeling of protein sequence and biophysical properties (such as structural, functional, and spatial information, amino acid conservation, physicochemical variation, residue mobility, and thermodynamic stability) indicates that this missense variant is expected to disrupt GPD1 protein function with a positive predictive value of 80%. For these reasons, this variant has been classified as Pathogenic.

Genomics Facility, Ludwig-Maximilians-Universität München
Classification: Pathogenic for Transient infantile hypertriglyceridemia and hepatosteatosis. Last evaluated: 2021-12-28. Review status: criteria provided, single submitter. Criteria: ACMG Guidelines, 2015. Collection method: clinical testing. Allele origin: unknown. Inheritance: Autosomal recessive inheritance. Affected: yes.

CeGaT Center for Human Genetics Tuebingen
Classification: Uncertain significance. Last evaluated: 2019-05-01. Review status: criteria provided, single submitter. Criteria: CeGaT Center For Human Genetics Tuebingen Variant Classification Criteria Version 2. Collection method: clinical testing. Allele origin: germline. Affected: yes. Observed: 1 variant allele.

OMIM
Classification: Pathogenic for HYPERTRIGLYCERIDEMIA, TRANSIENT INFANTILE. Last evaluated: 2024-06-06. Review status: no assertion criteria provided. Collection method: literature only. Allele origin: germline. Not counted in ClinVar's aggregate classification.

Literature cited by the submitters: PubMed 32591995 (cited by Labcorp Genetics (formerly Invitae), Labcorp and OMIM); PubMed 32685347 (cited by Labcorp Genetics (formerly Invitae), Labcorp); PubMed 22226083 (cited by Genomics Facility, Ludwig-Maximilians-Universität München).